The following is an entry in ClinVar:

NM_001130438.3(SPTAN1):c.3077C>G (p.Pro1026Arg)

Gene: SPTAN1 (spectrin alpha, non-erythrocytic 1; plus strand). Cytogenetic location: 9q34.11.
Variant type: single nucleotide variant.
Coding change: c.3077C>G on transcript NM_001130438.3 (MANE Select); coding-DNA position 3077, C replaced by G.
Protein change: p.Pro1026Arg; replaces proline 1026 with arginine.
Molecular consequence: missense variant.
Genome position (GRCh38, 1-based): chr9:128,591,547, C>G. VCF-style: chr9-128591547-C-G. GRCh37 (hg19) VCF-style: chr9-131353826-C-G.
Other names: c.3077C>G, p.Pro1026Arg (NM_001195532.2, NM_001363759.2, NM_001363765.2 and 5 more transcripts); c.3113C>G, p.Pro1038Arg (NM_001375312.2, NM_001375318.1); short protein forms P1038R, P1026R.
Identifiers: ClinVar variation 841280 (VCV000841280.12), dbSNP rs1853527559, ClinGen allele CA375060339.

ClinVar aggregate classification (germline): Uncertain significance (1 of 4 stars; one submission).

Conditions:
Early-infantile DEE. Also called: Ohtahara syndrome; Early infantile epileptic encephalopathy with suppression bursts; Early infantile epileptic encephalopathy. Identifiers: Orphanet 1934, MedGen C0393706, MONDO:0800491.

Allele frequency attached by ClinVar (database versions not stated): gnomAD exomes below 0.00001.
gnomAD v4.1: 1 of 1,614,192 alleles (0.000062%); highest among the groups gnomAD compares: Non-Finnish European, 0.000085%; no homozygotes.

Submission:

Labcorp Genetics (formerly Invitae), Labcorp
Classification: Uncertain significance for Early-infantile DEE. Last evaluated: 2019-12-11. Review status: criteria provided, single submitter. Criteria: Invitae Variant Classification Sherloc (09022015). Collection method: clinical testing. Allele origin: germline.
Comment: In summary, the available evidence is currently insufficient to determine the role of this variant in disease. Therefore, it has been classified as a Variant of Uncertain Significance. Algorithms developed to predict the effect of missense changes on protein structure and function (SIFT, PolyPhen-2, Align-GVGD) all suggest that this variant is likely to be disruptive, but these predictions have not been confirmed by published functional studies and their clinical significance is uncertain. This variant has not been reported in the literature in individuals with SPTAN1-related conditions. This variant is not present in population databases (ExAC no frequency). This sequence change replaces proline with arginine at codon 1026 of the SPTAN1 protein (p.Pro1026Arg). The proline residue is highly conserved and there is a moderate physicochemical difference between proline and arginine.